The following is an entry in ClinVar:

NM_024649.5(BBS1):c.951+58C>T

Genes: BBS1 (Bardet-Biedl syndrome 1; plus strand), ZDHHC24 (zDHHC palmitoyltransferase 24; minus strand). Cytogenetic location: 11q13.2.
Variant type: single nucleotide variant.
Coding change: c.951+58C>T on transcript NM_024649.5 (MANE Select); 58 bases into the intron after coding-DNA position 951, C replaced by T.
Molecular consequence: intron variant.
Genome position (GRCh38, 1-based): chr11:66,523,634, C>T. VCF-style: chr11-66523634-C-T. GRCh37 (hg19) VCF-style: chr11-66291105-C-T.
Other names: c.*22-2168G>A (NM_001348571.2).
Identifiers: ClinVar variation 917920 (VCV000917920.11), dbSNP rs1856346961, ClinGen allele CA1139662036.
Genomic context (GRCh38, chr11:66,523,634, plus strand): 5'-AAGGTGCAGCCCCCAGCAAGCAGCAGCCCCTCCACGCCTATGTCCCTAGCCCCCACTTGG[C>T]AAGAGAGTCCTCTGGCTTCCCCACCCCAGAAACCGTTCTTTCCACTGTAAGCCCTGAGCC-3'

ClinVar aggregate classification (germline): Pathogenic. Review status: criteria provided, multiple submitters, no conflicts (2 of 4 stars). 5 submissions from 5 submitters: Pathogenic (4). 1 of the submissions does not count toward it. Last evaluated 2023-06-21.

Conditions:
BBS1-related disorder. Also called: BBS1-related condition.
Bardet-Biedl syndrome (BBS). Identifiers: Orphanet 110, MedGen C0752166, MONDO:0015229.
Bardet-Biedl syndrome 1 (BBS1). Identifiers: MedGen C2936862, MONDO:0008854, OMIM 209900. Disease mechanism: loss of function.

Allele frequency attached by ClinVar (database versions not stated): gnomAD exomes below 0.00001.
gnomAD v4.1: 6 of 1,612,604 alleles (0.00037%); highest among the groups gnomAD compares: Non-Finnish European, 0.00042%; no homozygotes.

Submissions (5):

Blueprint Genetics
Classification: Pathogenic for BBS1-related disorders. Last evaluated: 2023-06-21. Review status: criteria provided, single submitter. Criteria: ACMG Guidelines, 2015. Collection method: clinical testing. Allele origin: germline. Affected: yes. Observed: 1 variant allele.

GeneDx
Classification: Pathogenic. Last evaluated: 2023-02-17. Review status: criteria provided, single submitter. Criteria: GeneDx Variant Classification Process June 2021. Collection method: clinical testing. Allele origin: germline. Affected: yes.
Comment: Non-canonical splice site variant demonstrated to result in loss of function (Scheidecker et al., 2015); This variant is associated with the following publications: (PMID: 32552793, 25982971, 19858128, 31130284, 32949114, 34448047)

Labcorp Genetics (formerly Invitae), Labcorp
Classification: Pathogenic for Bardet-Biedl syndrome. Last evaluated: 2022-05-16. Review status: criteria provided, single submitter. Criteria: Invitae Variant Classification Sherloc (09022015). Collection method: clinical testing. Allele origin: germline.
Comment: For these reasons, this variant has been classified as Pathogenic. Studies have shown that this variant results in activation of a cryptic splice site and introduces a premature termination codon (PMID: 25982971). The resulting mRNA is expected to undergo nonsense-mediated decay. ClinVar contains an entry for this variant (Variation ID: 917920). This variant is also known as c.963+58C>T. This variant has been observed in individual(s) with Bardet-Biedl syndrome (PMID: 19858128, 25982971, 31130284). It has also been observed to segregate with disease in related individuals. This variant is not present in population databases (gnomAD no frequency). This sequence change falls in intron 10 of the BBS1 gene. It does not directly change the encoded amino acid sequence of the BBS1 protein. RNA analysis indicates that this variant induces altered splicing and may result in an absent or disrupted protein product.

Fulgent Genetics
Classification: Pathogenic for Bardet-Biedl syndrome 1. Last evaluated: 2021-10-06. Review status: criteria provided, single submitter. Criteria: ACMG Guidelines, 2015. Collection method: clinical testing. Allele origin: unknown.

Genomic Medicine Center of Excellence, King Faisal Specialist Hospital and Research Centre
Classification: Uncertain significance for Bardet-Biedl syndrome 1. Review status: no assertion criteria provided. Collection method: research. Allele origin: germline. Affected: yes. Not counted in ClinVar's aggregate classification.

Literature cited by the submitters: PubMed 25982971 (cited by Labcorp Genetics (formerly Invitae), Labcorp); PubMed 19858128 (cited by Labcorp Genetics (formerly Invitae), Labcorp); PubMed 31130284 (cited by Labcorp Genetics (formerly Invitae), Labcorp).